The following is an entry in ClinVar:

NM_001322059.2(PDE1C):c.311-89184G>C

Gene: PDE1C (phosphodiesterase 1C; minus strand). Cytogenetic location: 7p14.3.
Variant type: single nucleotide variant.
Coding change: c.311-89184G>C on transcript NM_001322059.2; 89184 bases into the intron before coding-DNA position 311, G replaced by C.
Molecular consequence: intron variant. On other transcripts: missense variant (2).
Genome position (GRCh38, 1-based): chr7:32,298,723, C>G on the plus strand (G>C on the coding strand, the complement: PDE1C is on the minus strand). VCF-style: chr7-32298723-C-G. GRCh37 (hg19) VCF-style: chr7-32338335-C-G.
Other names: c.13G>C, p.Gly5Arg (NM_001191058.4, NM_001322058.2); short protein forms G5R.
Identifiers: ClinVar variation 2657381 (VCV002657381.22), dbSNP rs1273106795, ClinGen allele CA367251346.

ClinVar aggregate classification (germline): Uncertain significance (1 of 4 stars; one submission).

Allele frequency attached by ClinVar (database versions not stated): gnomAD exomes below 0.00001.
gnomAD v4.1: 4 of 1,602,538 alleles (0.00025%); highest among the groups gnomAD compares: Admixed American, 0.0017%; no homozygotes.

Submission:

CeGaT Center for Human Genetics Tuebingen
Classification: Uncertain significance. Last evaluated: 2023-05-01. Review status: criteria provided, single submitter. Criteria: CeGaT Center For Human Genetics Tuebingen Variant Classification Criteria Version 2. Collection method: clinical testing. Allele origin: germline. Affected: yes. Observed: 1 variant allele.
Comment: PDE1C: PM2